The following is an entry in ClinVar:

NM_001042492.3(NF1):c.4966del (p.Thr1656fs)

Gene: NF1 (neurofibromin 1; plus strand). Cytogenetic location: 17q11.2.
Variant type: Deletion.
Coding change: c.4966del on transcript NM_001042492.3 (MANE Select); coding-DNA position 4966, one base deleted (A; older notation c.4966delA).
Protein change: p.Thr1656fs; shifts the reading frame from threonine 1656.
Molecular consequence: frameshift variant.
Genome position (GRCh38, 1-based): chr17:31,325,950, A deleted; the last of 4 consecutive A bases (chr17:31,325,947-31,325,950); deleting any one gives the same sequence. VCF-style (leftmost placement, unchanged base first): chr17-31325946-TA-T. GRCh37 (hg19) VCF-style: chr17-29652964-TA-T.
Other names: c.4963delA (NM_001042492.3); c.4903delA (NM_000267.3); c.4903delA, p.Thr1635Glnfs (NM_000267.4); short protein forms T1656fs, T1635fs.
Identifiers: ClinVar variation 566482 (VCV000566482.14), dbSNP rs1567611351, ClinGen allele CA891844016.

ClinVar aggregate classification (germline): Pathogenic. Review status: criteria provided, single submitter (1 of 4 stars). 2 submissions from 2 submitters: Pathogenic (1). 1 of the submissions does not count toward it. Last evaluated 2025-03-18.

Conditions:
Neurofibromatosis, type 1 (NF1). Also called: VON RECKLINGHAUSEN DISEASE; NEUROFIBROMATOSIS, TYPE I, SOMATIC; Peripheral type neurofibromatosis; Neurofibromatosis, type I. Identifiers: Orphanet 636, MedGen C0027831, MONDO:0018975, OMIM 162200. Disease mechanism: loss of function.

Submissions (2):

Labcorp Genetics (formerly Invitae), Labcorp
Classification: Pathogenic for Neurofibromatosis, type 1. Last evaluated: 2025-03-18. Review status: criteria provided, single submitter. Criteria: Invitae Variant Classification Sherloc (09022015). Collection method: clinical testing. Allele origin: germline.
Comment: This sequence change creates a premature translational stop signal (p.Thr1635Glnfs*42) in the NF1 gene. It is expected to result in an absent or disrupted protein product. Loss-of-function variants in NF1 are known to be pathogenic (PMID: 10712197, 23913538). This variant is not present in population databases (gnomAD no frequency). This premature translational stop signal has been observed in individual(s) with plexiform neurofibromas and neurofibromatosis type 1 (PMID: 26840085, 28068329). This variant is also known as c.4900_4903AAA. ClinVar contains an entry for this variant (Variation ID: 566482). For these reasons, this variant has been classified as Pathogenic.

Epigenetics and Oncology Laboratory, Southwest Medical University
Classification: Pathogenic for Neurofibromatosis, type 1. Last evaluated: 2022-09-12. Review status: no assertion criteria provided. Collection method: clinical testing. Allele origin: germline. Affected: yes. Not counted in ClinVar's aggregate classification.

Literature cited by the submitters: PubMed 10712197 (cited by Labcorp Genetics (formerly Invitae), Labcorp); PubMed 23913538 (cited by Labcorp Genetics (formerly Invitae), Labcorp); PubMed 26840085 (cited by Labcorp Genetics (formerly Invitae), Labcorp); PubMed 28068329 (cited by Labcorp Genetics (formerly Invitae), Labcorp); PubMed 27234610 (cited by Epigenetics and Oncology Laboratory, Southwest Medical University); PubMed 27980226 (cited by Epigenetics and Oncology Laboratory, Southwest Medical University).